The following is an entry in ClinVar:

NM_005751.5(AKAP9):c.7453T>G (p.Ser2485Ala)

Gene: AKAP9 (A-kinase anchoring protein 9; plus strand). Cytogenetic location: 7q21.2.
Variant type: single nucleotide variant.
Coding change: c.7453T>G on transcript NM_005751.5 (MANE Select); coding-DNA position 7453, T replaced by G.
Protein change: p.Ser2485Ala; replaces serine 2485 with alanine.
Molecular consequence: missense variant.
Genome position (GRCh38, 1-based): chr7:92,079,586, T>G. VCF-style: chr7-92079586-T-G. GRCh37 (hg19) VCF-style: chr7-91708900-T-G.
Other names: c.2098T>G, p.Ser700Ala (NM_001379277.1); c.7429T>G, p.Ser2477Ala (NM_147185.3); short protein forms S2477A, S700A, S2485A.
Identifiers: ClinVar variation 1758985 (VCV001758985.2), dbSNP rs1813180723, ClinGen allele CA368135767.

ClinVar aggregate classification (germline): Uncertain significance (1 of 4 stars; one submission).

Conditions:
Cardiovascular phenotype. Identifiers: MedGen CN230736.

gnomAD v4.1: 1 of 1,613,828 alleles (0.000062%); highest among the groups gnomAD compares: Non-Finnish European, 0.000085%; no homozygotes.

Submission:

Ambry Genetics
Classification: Uncertain significance for Cardiovascular phenotype. Last evaluated: 2022-07-14. Review status: criteria provided, single submitter. Criteria: Ambry Variant Classification Scheme 2023. Collection method: clinical testing. Allele origin: germline.
Comment: The p.S2485A variant (also known as c.7453T>G), located in coding exon 31 of the AKAP9 gene, results from a T to G substitution at nucleotide position 7453. The serine at codon 2485 is replaced by alanine, an amino acid with similar properties. This amino acid position is conserved. In addition, this alteration is predicted to be tolerated by in silico analysis. Since supporting evidence is limited at this time, the clinical significance of this alteration remains unclear.